The following is an entry in ClinVar:

ClinVar aggregate classification (germline): Uncertain significance (1 of 4 stars; one submission).

Conditions:
RASopathy. Also called: rasopathies; Noonan spectrum disorder. Identifiers: Orphanet 536391, MedGen C5555857, MONDO:0021060.

Submission:

Labcorp Genetics (formerly Invitae), Labcorp
Classification: Uncertain significance for RASopathy. Last evaluated: 2022-05-23. Review status: criteria provided, single submitter. Criteria: Invitae Variant Classification Sherloc (09022015). Collection method: clinical testing. Allele origin: germline.
Comment: In summary, the available evidence is currently insufficient to determine the role of this variant in disease. Therefore, it has been classified as a Variant of Uncertain Significance. This variant has not been reported in the literature in individuals affected with CBL-related conditions. This variant is not present in population databases (gnomAD no frequency). This variant results in the deletion of part of exon 8 (c.1096-26_1099delins30) of the CBL gene. It is expected to disrupt RNA splicing. Variants that disrupt the donor or acceptor splice site typically lead to a loss of protein function (PMID: 16199547), however the current clinical and genetic evidence is not sufficient to establish whether loss-of-function variants in CBL cause disease.

Literature cited by the submitters: PubMed 16199547.

NM_005188.4(CBL):c.1096-26_1099inv

Gene: CBL (Cbl proto-oncogene; plus strand). Cytogenetic location: 11q23.3.
Variant type: Inversion.
Coding change: c.1096-26_1099inv on transcript NM_005188.4 (MANE Select).
Molecular consequence: splice acceptor variant.
Genome position: GRCh38: chr11:119,278,140-119,278,169. GRCh37 (hg19): chr11:119,148,850-119,148,879.
Identifiers: ClinVar variation 1998129 (VCV001998129.4), ClinGen allele CA2580083683.